The following is an entry in ClinVar:

NM_001267550.2(TTN):c.83280C>T (p.Asn27760=)

Genes: TTN (titin; minus strand), TTN-AS1 (TTN antisense RNA 1; plus strand). Cytogenetic location: 2q31.2.
Variant type: single nucleotide variant.
Coding change: c.83280C>T on transcript NM_001267550.2 (MANE Select); coding-DNA position 83280, C replaced by T.
Protein change: p.Asn27760=; no amino-acid change (asparagine 27760 retained).
Molecular consequence: synonymous variant.
Genome position (GRCh38, 1-based): chr2:178,562,852, G>A on the plus strand (C>T on the coding strand, the complement: TTN is on the minus strand). VCF-style: chr2-178562852-G-A. GRCh37 (hg19) VCF-style: chr2-179427579-G-A.
Other names: c.78357C>T, p.Asn26119= (NM_001256850.1); c.56085C>T, p.Asn18695= (NM_003319.4); c.75576C>T, p.Asn25192= (NM_133378.4); c.56460C>T, p.Asn18820= (NM_133432.3); c.56661C>T, p.Asn18887= (NM_133437.4).
Identifiers: ClinVar variation 1119349 (VCV001119349.27), dbSNP rs1435031798, ClinGen allele CA430250680.
Genomic context (GRCh38, chr2:178,562,852, plus strand): 5'-TTTCTTCACTTCTCTTATGGTCAAATTCACAGGGGCACTTGGTGAGTCAAGAACTCTGAC[G>A]TTAACAAAAGCTGTTTTGGAGCCACTATTATTTTCTAATGTCAGATTATACCGACCACTG-3'
Protein context (NP_001254479.2, residues 27750-27770): NNSGSKTAFV[Asn27760=]VRVLDSPSAP

ClinVar aggregate classification (germline): Likely benign. Review status: criteria provided, multiple submitters, no conflicts (2 of 4 stars). 3 submissions from 3 submitters: Likely benign (3). Last evaluated 2024-12-18.

Conditions:
Cardiovascular phenotype. Identifiers: MedGen CN230736.
Dilated cardiomyopathy 1G (CMD1G). Identifiers: Orphanet 154, MedGen C1858763, MONDO:0011400, OMIM 604145.
Autosomal recessive limb-girdle muscular dystrophy type 2J (LGMDR10). Also called: MUSCULAR DYSTROPHY, LIMB-GIRDLE, AUTOSOMAL RECESSIVE 10; Limb-girdle muscular dystrophy, type 2J. Identifiers: Orphanet 140922, MedGen C1837342, MONDO:0012127, OMIM 608807.

Allele frequency attached by ClinVar (database versions not stated): gnomAD exomes below 0.00001.
gnomAD v4.1: 6 of 1,612,834 alleles (0.00037%); highest among the groups gnomAD compares: South Asian, 0.0011%; no homozygotes.

Submissions (3):

Labcorp Genetics (formerly Invitae), Labcorp
Classification: Likely benign for Dilated cardiomyopathy 1G; Autosomal recessive limb-girdle muscular dystrophy type 2J. Last evaluated: 2024-12-18. Review status: criteria provided, single submitter. Criteria: Invitae Variant Classification Sherloc (09022015). Collection method: clinical testing. Allele origin: germline.

CeGaT Center for Human Genetics Tuebingen
Classification: Likely benign. Last evaluated: 2024-08-01. Review status: criteria provided, single submitter. Criteria: CeGaT Center For Human Genetics Tuebingen Variant Classification Criteria Version 2. Collection method: clinical testing. Allele origin: germline. Affected: yes. Observed: 1 variant allele.
Comment: TTN: BP4, BP7

Ambry Genetics
Classification: Likely benign for Cardiovascular phenotype. Last evaluated: 2021-01-24. Review status: criteria provided, single submitter. Criteria: Ambry Variant Classification Scheme 2023. Collection method: clinical testing. Allele origin: germline.